The following is an entry in ClinVar:

ClinVar aggregate classification (germline): Uncertain significance. Review status: criteria provided, multiple submitters, no conflicts (2 of 4 stars). 2 submissions from 2 submitters: Uncertain significance (2). Last evaluated 2024-08-04.

Conditions:
Cerebral palsy, spastic quadriplegic, 2 (CPSQ2). Identifiers: Orphanet 210141, MedGen C2752061, MONDO:0013033, OMIM 612900.

Allele frequency attached by ClinVar (database versions not stated): gnomAD 0.00005 and 0.00006; ExAC 0.00008; TOPMed 0.00009; gnomAD exomes 0.00011; ESP Exome Variant Server 0.00023.
gnomAD v4.1: 83 of 1,614,070 alleles (0.0051%); highest among the groups gnomAD compares: Admixed American, 0.038%; 1 homozygote.

Submissions (2):

Labcorp Genetics (formerly Invitae), Labcorp
Classification: Uncertain significance. Last evaluated: 2024-08-04. Review status: criteria provided, single submitter. Criteria: Invitae Variant Classification Sherloc (09022015). Collection method: clinical testing. Allele origin: germline.
Comment: This sequence change replaces valine, which is neutral and non-polar, with methionine, which is neutral and non-polar, at codon 542 of the KANK1 protein (p.Val542Met). This variant is present in population databases (rs146416309, gnomAD 0.05%). This missense change has been observed in individual(s) with KANK1-related conditions (PMID: 31308072). ClinVar contains an entry for this variant (Variation ID: 1350701). Advanced modeling of protein sequence and biophysical properties (such as structural, functional, and spatial information, amino acid conservation, physicochemical variation, residue mobility, and thermodynamic stability) performed at Invitae indicates that this missense variant is not expected to disrupt KANK1 protein function with a negative predictive value of 80%. In summary, the available evidence is currently insufficient to determine the role of this variant in disease. Therefore, it has been classified as a Variant of Uncertain Significance.

Fulgent Genetics
Classification: Uncertain significance for Cerebral palsy, spastic quadriplegic, 2. Last evaluated: 2022-03-28. Review status: criteria provided, single submitter. Criteria: ACMG Guidelines, 2015. Collection method: clinical testing. Allele origin: unknown.

Literature cited by the submitters: PubMed 31308072 (cited by Labcorp Genetics (formerly Invitae), Labcorp).

NM_015158.5(KANK1):c.1624G>A (p.Val542Met)

Gene: KANK1 (KN motif and ankyrin repeat domains 1; plus strand). Cytogenetic location: 9p24.3.
Variant type: single nucleotide variant.
Coding change: c.1624G>A on transcript NM_015158.5 (MANE Select); coding-DNA position 1624, G replaced by A.
Protein change: p.Val542Met; replaces valine 542 with methionine.
Molecular consequence: missense variant. On other transcripts: non-coding transcript variant (1).
Genome position (GRCh38, 1-based): chr9:712,390, G>A. VCF-style: chr9-712390-G-A. GRCh37 (hg19) VCF-style: chr9-712390-G-A.
Other names: c.1624G>A, p.Val542Met (NM_001256876.3, NM_001256877.3, NM_001354331.2 and 2 more transcripts); c.1150G>A, p.Val384Met (NM_001354333.2, NM_001354335.2, NM_001354336.2 and 9 more transcripts); short protein forms V384M, V542M.
Identifiers: ClinVar variation 1350701 (VCV001350701.7), dbSNP rs146416309, ClinGen allele CA4960270.